The following is an entry in ClinVar:

NM_001035.3(RYR2):c.5336G>A (p.Ser1779Asn)

Gene: RYR2 (ryanodine receptor 2; plus strand). Cytogenetic location: 1q43.
Variant type: single nucleotide variant.
Coding change: c.5336G>A on transcript NM_001035.3 (MANE Select); coding-DNA position 5336, G replaced by A.
Protein change: p.Ser1779Asn; replaces serine 1779 with asparagine.
Molecular consequence: missense variant.
Genome position (GRCh38, 1-based): chr1:237,614,464, G>A. VCF-style: chr1-237614464-G-A. GRCh37 (hg19) VCF-style: chr1-237777764-G-A.
Other names: short protein forms S1779N.
Identifiers: ClinVar variation 1320848 (VCV001320848.22), dbSNP rs778312204, ClinGen allele CA086873.

ClinVar aggregate classification (germline): Conflicting classifications of pathogenicity. Review status: criteria provided, conflicting classifications (1 of 4 stars). 6 submissions from 6 submitters: Uncertain significance (5); Likely benign (1). Last evaluated 2026-01-27.

Conditions:
Catecholaminergic polymorphic ventricular tachycardia (CVPT). Also called: Catecholamine-induced polymorphic ventricular tachycardia. Identifiers: Orphanet 3286, MedGen C5574922, MONDO:0017990.
Cardiomyopathy (CMYO). Also called: Cardiomyopathies. Identifiers: Orphanet 167848, MedGen C0878544, MONDO:0004994, HP:0001638. Inheritance: Various modes of inheritance.
Cardiovascular phenotype. Identifiers: MedGen CN230736.
Catecholaminergic polymorphic ventricular tachycardia 1. Also called: RYR2-Related Catecholaminergic Polymorphic Ventricular Tachycardia; VENTRICULAR TACHYCARDIA, STRESS-INDUCED POLYMORPHIC 1; VENTRICULAR TACHYCARDIA, CATECHOLAMINERGIC POLYMORPHIC, 1, WITH OR WITHOUT ATRIAL DYSFUNCTION AND/OR DILATED CARDIOMYOPATHY. Identifiers: Orphanet 3286, MedGen C1631597, MONDO:0011484, OMIM 604772.

Allele frequency attached by ClinVar (database versions not stated): ExAC 0.00001; gnomAD exomes 0.00001; TOPMed 0.00001.
gnomAD v4.1: 13 of 1,614,038 alleles (0.00081%); highest among the groups gnomAD compares: Middle Eastern, 0.099%; no homozygotes.

Submissions (6):

Labcorp Genetics (formerly Invitae), Labcorp
Classification: Likely benign for Catecholaminergic polymorphic ventricular tachycardia 1. Last evaluated: 2026-01-27. Review status: criteria provided, single submitter. Criteria: Invitae Variant Classification Sherloc (09022015). Collection method: clinical testing. Allele origin: germline.

All of Us Research Program, National Institutes of Health
Classification: Uncertain significance for Catecholaminergic polymorphic ventricular tachycardia. Last evaluated: 2024-07-10. Review status: criteria provided, single submitter. Criteria: ACMG Guidelines, 2015. Collection method: clinical testing. Allele origin: germline. Inheritance: Autosomal dominant inheritance. Observed: 5 variant alleles, 5 heterozygotes.
Comment: This missense variant replaces serine with asparagine at codon 1779 of the RYR2 protein. Computational prediction is inconclusive regarding the impact of this variant on protein structure and function (internally defined REVEL score threshold 0.5 < inconclusive < 0.7, PMID: 27666373). To our knowledge, functional studies have not been reported for this variant. This variant has not been reported in individuals affected with cardiovascular disorders in the literature. This variant has been identified in 2/248988 chromosomes in the general population by the Genome Aggregation Database (gnomAD). The available evidence is insufficient to determine the role of this variant in disease conclusively. Therefore, this variant is classified as a Variant of Uncertain Significance.

This study involves interpretation of variants in research participants for the purpose of population health screening. Participant phenotype was not available at the time of variant classification. Additional details can be found in publication PMID: 35346344, PMCID: PMC8962531

Color Diagnostics, LLC DBA Color Health
Classification: Uncertain significance for Cardiomyopathy. Last evaluated: 2024-03-06. Review status: criteria provided, single submitter. Criteria: ACMG Guidelines, 2015. Collection method: clinical testing. Allele origin: germline.
Comment: This missense variant replaces serine with asparagine at codon 1779 of the RYR2 protein. Computational prediction is inconclusive regarding the impact of this variant on protein structure and function (internally defined REVEL score threshold 0.5 < inconclusive < 0.7, PMID: 27666373). To our knowledge, functional studies have not been reported for this variant. This variant has not been reported in individuals affected with RYR2-related disorders in the literature. This variant has been identified in 2/248988 chromosomes in the general population by the Genome Aggregation Database (gnomAD). The available evidence is insufficient to determine the role of this variant in disease conclusively. Therefore, this variant is classified as a Variant of Uncertain Significance.

Blueprint Genetics
Classification: Uncertain significance. Last evaluated: 2023-05-26. Review status: criteria provided, single submitter. Criteria: ACMG Guidelines, 2015. Collection method: clinical testing. Allele origin: germline.

Ambry Genetics
Classification: Uncertain significance for Cardiovascular phenotype. Last evaluated: 2023-02-06. Review status: criteria provided, single submitter. Criteria: Ambry Variant Classification Scheme 2023. Collection method: clinical testing. Allele origin: germline.
Comment: The p.S1779N variant (also known as c.5336G>A), located in coding exon 37 of the RYR2 gene, results from a G to A substitution at nucleotide position 5336. The serine at codon 1779 is replaced by asparagine, an amino acid with highly similar properties. This amino acid position is highly conserved in available vertebrate species. In addition, this alteration is predicted to be tolerated by in silico analysis. Since supporting evidence is limited at this time, the clinical significance of this alteration remains unclear.

GeneDx
Classification: Uncertain significance. Last evaluated: 2022-03-17. Review status: criteria provided, single submitter. Criteria: GeneDx Variant Classification Process June 2021. Collection method: clinical testing. Allele origin: germline. Affected: yes.
Comment: Has not been previously published as pathogenic or benign to our knowledge; Not observed at a significant frequency in large population cohorts (gnomAD); In silico analysis supports that this missense variant has a deleterious effect on protein structure/function; Not located in one of the three hot-spot regions of the RYR2 gene, where the majority of pathogenic missense variants occur (Medeiros-Domingo et al., 2009)